The following is an entry in ClinVar:

ClinVar aggregate classification (germline): Pathogenic. Review status: criteria provided, multiple submitters, no conflicts (2 of 4 stars). 5 submissions from 5 submitters: Pathogenic (4). 1 of the submissions does not count toward it. Last evaluated 2026-02-25.

Conditions:
X-linked Alport syndrome (ATS1). Also called: COL4A5-Related Nephropathy; NEPHROPATHY AND DEAFNESS, X-LINKED. Identifiers: Orphanet 63, Orphanet 88917, MedGen C4746986, MONDO:0010520, OMIM 301050.

Submissions (5):

Myriad Genetics, Inc.
Classification: Pathogenic for X-linked Alport syndrome. Last evaluated: 2026-02-25. Review status: criteria provided, single submitter. Criteria: Myriad Autosomal Dominant, Autosomal Recessive and X-Linked Classification Criteria (2023). Collection method: clinical testing. Allele origin: unknown.
Comment: NM_000495.4(COL4A5):c.385G>A(G129R) is a missense variant classified as pathogenic in the context of X-linked Alport syndrome. G129R has been observed in cases with relevant disease (PMID: 33369211, 39558648, 35759000, 20378821). Relevant functional assessments of this variant are not available in the literature. Internal structural analysis of the variant is supportive of pathogenicity. G129R has not been observed in referenced population frequency databases. In summary, NM_000495.4(COL4A5):c.385G>A(G129R) is a missense variant that has internal structural support for pathogenicity and has been observed more frequently in cases with the relevant disease than in healthy populations. Please note: this variant was assessed in the context of healthy population screening.

Labcorp Genetics (formerly Invitae), Labcorp
Classification: Pathogenic. Last evaluated: 2025-11-18. Review status: criteria provided, single submitter. Criteria: Invitae Variant Classification Sherloc (09022015). Collection method: clinical testing. Allele origin: germline.
Comment: This sequence change replaces glycine, which is neutral and non-polar, with arginine, which is basic and polar, at codon 129 of the COL4A5 protein (p.Gly129Arg). This variant is not present in population databases (gnomAD no frequency). This missense change has been observed in individual(s) with Alport syndrome (PMID: 20378821). ClinVar contains an entry for this variant (Variation ID: 24265). Experimental studies and prediction algorithms are not available or were not evaluated, and the functional significance of this variant is currently unknown. Algorithms developed to predict the effect of sequence changes on RNA splicing suggest that this variant may disrupt the consensus splice site. This variant disrupts the triple helix domain of COL4A5. Glycine residues within the Gly-Xaa-Yaa repeats of the triple helix domain are required for the structure and stability of fibrillar collagens (PMID: 7695699, 8218237, 19344236). In COL4A5, missense variants at these glycine residues are significantly enriched in individuals with disease (PMID: 23720012, 27627812) compared to the general population (ExAC). This variant disrupts the p.Gly129 amino acid residue in COL4A5. Other variant(s) that disrupt this residue have been observed in individuals with COL4A5-related conditions (PMID: 8738805, 9195222), which suggests that this may be a clinically significant amino acid residue. For these reasons, this variant has been classified as Pathogenic.

Fulgent Genetics
Classification: Pathogenic for X-linked Alport syndrome. Last evaluated: 2021-12-24. Review status: criteria provided, single submitter. Criteria: ACMG Guidelines, 2015. Collection method: clinical testing. Allele origin: unknown.

Medical Genetics, University of Parma
Classification: Pathogenic for X-linked Alport syndrome. Last evaluated: 2020-03-11. Review status: criteria provided, single submitter. Criteria: ACMG Guidelines, 2015. Collection method: clinical testing. Allele origin: germline. Affected: yes.

Natera, Inc.
Classification: Pathogenic for X-linked Alport syndrome. Last evaluated: 2017-06-22. Review status: no assertion criteria provided. Collection method: clinical testing. Allele origin: germline. Not counted in ClinVar's aggregate classification.

Literature cited by the submitters: PubMed 20378821 (cited by Myriad Genetics, Inc. and Labcorp Genetics (formerly Invitae), Labcorp); PubMed 33369211 (cited by Myriad Genetics, Inc.); PubMed 35759000 (cited by Myriad Genetics, Inc.); PubMed 39558648 (cited by Myriad Genetics, Inc.); PubMed 7695699 (cited by Labcorp Genetics (formerly Invitae), Labcorp); PubMed 8218237 (cited by Labcorp Genetics (formerly Invitae), Labcorp); PubMed 19344236 (cited by Labcorp Genetics (formerly Invitae), Labcorp); PubMed 23720012 (cited by Labcorp Genetics (formerly Invitae), Labcorp); PubMed 27627812 (cited by Labcorp Genetics (formerly Invitae), Labcorp); PubMed 8738805 (cited by Labcorp Genetics (formerly Invitae), Labcorp); PubMed 9195222 (cited by Labcorp Genetics (formerly Invitae), Labcorp).

NM_033380.3(COL4A5):c.385G>A (p.Gly129Arg)

Gene: COL4A5 (collagen type IV alpha 5 chain; plus strand). Cytogenetic location: Xq22.3.
Variant type: single nucleotide variant.
Coding change: c.385G>A on transcript NM_033380.3 (MANE Select); coding-DNA position 385, G replaced by A.
Protein change: p.Gly129Arg; replaces glycine 129 with arginine.
Molecular consequence: missense variant.
Genome position (GRCh38, 1-based): chrX:108,571,413, G>A. VCF-style: chrX-108571413-G-A. GRCh37 (hg19) VCF-style: chrX-107814643-G-A.
Other names: c.385G>A, p.Gly129Arg (NM_000495.5); short protein forms G129R.
Identifiers: ClinVar variation 24265 (VCV000024265.16), dbSNP rs281874722, ClinGen allele CA258232.
Genomic context (GRCh38, chrX:108,571,413, plus strand): 5'-ATGGTATAGTTATTCTTTGTTTCTTGTTCCTCCATGCTCTTTATTTTTAACTCCTTCTAG[G>A]GAGAACGTGGATTTCCAGGCAGTCCCGGTTTTCCTGGTTTACAGGGTCCTCCAGTAAGTT-3'
Protein context (NP_203699.1, residues 119-139): QGIPGCNGTK[Gly129Arg]ERGFPGSPGF